The following is an entry in ClinVar:

ClinVar aggregate classification (germline): Uncertain significance (1 of 4 stars; one submission).

Allele frequency attached by ClinVar (database versions not stated): gnomAD exomes 0.00001; ExAC 0.00004.
gnomAD v4.1: 8 of 1,572,836 alleles (0.00051%); highest among the groups gnomAD compares: South Asian, 0.0034%; no homozygotes.

Submission:

Labcorp Genetics (formerly Invitae), Labcorp
Classification: Uncertain significance. Last evaluated: 2025-08-29. Review status: criteria provided, single submitter. Criteria: Invitae Variant Classification Sherloc (09022015). Collection method: clinical testing. Allele origin: germline.
Comment: This sequence change falls in intron 1 of the MICAL1 gene. It does not directly change the encoded amino acid sequence of the MICAL1 protein. It affects a nucleotide within the consensus splice site. This variant is present in population databases (rs763686963, gnomAD 0.002%). This variant has not been reported in the literature in individuals affected with MICAL1-related conditions. ClinVar contains an entry for this variant (Variation ID: 1369944). Variants that disrupt the consensus splice site are a relatively common cause of aberrant splicing (PMID: 17576681, 9536098). Algorithms developed to predict the effect of sequence changes on RNA splicing suggest that this variant may disrupt the consensus splice site. In summary, the available evidence is currently insufficient to determine the role of this variant in disease. Therefore, it has been classified as a Variant of Uncertain Significance.

Literature cited by the submitters: PubMed 17576681; PubMed 9536098.

NC_000006.12:g.109465661T>C

Genes: MICAL1 (microtubule associated monooxygenase, calponin and LIM domain containing 1; minus strand), ZBTB24 (zinc finger and BTB domain containing 24; minus strand). Cytogenetic location: 6q21.
Variant type: single nucleotide variant.
Molecular consequence: 3 prime UTR variant (on NM_014797.3). On other transcripts: intron variant (1).
Genome position: GRCh38 VCF-style: chr6-109465661-T-C. GRCh37 (hg19) VCF-style: chr6-109786864-T-C.
Other names: c.*190A>G (NM_014797.3); c.14+3A>G (NM_001286613.2).
Identifiers: ClinVar variation 1369944 (VCV001369944.7), dbSNP rs763686963, ClinGen allele CA3953934.